The following is an entry in ClinVar:

NM_001081.4(CUBN):c.3008+2_3008+5del

Gene: CUBN (cubilin; minus strand). Cytogenetic location: 10p13.
Variant type: Deletion.
Coding change: c.3008+2_3008+5del on transcript NM_001081.4 (MANE Select); the canonical splice donor site of the intron after coding-DNA position 3008 through 5 bases into the intron after coding-DNA position 3008, 4 bases deleted (TAAG; older notation c.3008+2_3008+5delTAAG).
Molecular consequence: splice donor variant.
Genome position (GRCh38, 1-based): chr10:17,068,059-17,068,062, CTTA deleted on the plus strand (TAAG on the coding strand, the reverse complement: CUBN is on the minus strand); deleting any 4 consecutive bases within chr10:17,068,059-17,068,063 gives the same sequence; the c. name uses the placement nearest the transcript's 3' end. VCF-style (leftmost placement, unchanged base first): chr10-17068058-CCTTA-C. GRCh37 (hg19) VCF-style: chr10-17110057-CCTTA-C.
Identifiers: ClinVar variation 1348969 (VCV001348969.6), dbSNP rs2131844654, ClinGen allele CA2573144975.

ClinVar aggregate classification (germline): Likely pathogenic (1 of 4 stars; one submission).

Conditions:
Imerslund-Grasbeck syndrome. Also called: Imerslund-Gräsbeck syndrome; Megaloblastic anemia due to inborn errors of metabolism; ENTEROCYTE COBALAMIN MALABSORPTION; ENTEROCYTE INTRINSIC FACTOR RECEPTOR, DEFECT OF; PERNICIOUS ANEMIA, JUVENILE, DUE TO SELECTIVE INTESTINAL MALABSORPTION OF VITAMIN B12, WITH PROTEINURIA. Identifiers: Orphanet 35858, MedGen C4551825, MONDO:0009853.

Submission:

Labcorp Genetics (formerly Invitae), Labcorp
Classification: Likely pathogenic for Imerslund-Grasbeck syndrome. Last evaluated: 2023-10-28. Review status: criteria provided, single submitter. Criteria: Invitae Variant Classification Sherloc (09022015). Collection method: clinical testing. Allele origin: germline.
Comment: This sequence change affects a splice site in intron 21 of the CUBN gene. It is expected to disrupt RNA splicing. Variants that disrupt the donor or acceptor splice site typically lead to a loss of protein function (PMID: 16199547), and loss-of-function variants in CUBN are known to be pathogenic (PMID: 15024727, 22929189, 25349199, 31613795, 34979989). This variant is not present in population databases (gnomAD no frequency). This variant has not been reported in the literature in individuals affected with CUBN-related conditions. ClinVar contains an entry for this variant (Variation ID: 1348969). Algorithms developed to predict the effect of sequence changes on RNA splicing suggest that this variant may disrupt the consensus splice site. In summary, the currently available evidence indicates that the variant is pathogenic, but additional data are needed to prove that conclusively. Therefore, this variant has been classified as Likely Pathogenic.

Literature cited by the submitters: PubMed 16199547; PubMed 15024727; PubMed 22929189; PubMed 25349199; PubMed 31613795; PubMed 34979989.